The following is an entry in ClinVar:

ClinVar aggregate classification (germline): Uncertain significance. Review status: criteria provided, multiple submitters, no conflicts (2 of 4 stars). 2 submissions from 2 submitters: Uncertain significance (2). Last evaluated 2025-08-27.

Conditions:
Inborn genetic diseases. Identifiers: MedGen C0950123, MeSH D030342.

Allele frequency attached by ClinVar (database versions not stated): gnomAD exomes below 0.00001; ExAC 0.00002; TOPMed 0.00002.
gnomAD v4.1: 2 of 1,611,880 alleles (0.00012%); highest among the groups gnomAD compares: East Asian, 0.0045%; no homozygotes.

Submissions (2):

Ambry Genetics
Classification: Uncertain significance for Inborn genetic diseases. Last evaluated: 2025-08-27. Review status: criteria provided, single submitter. Criteria: Ambry Variant Classification Scheme 2023. Collection method: clinical testing. Allele origin: germline.

Labcorp Genetics (formerly Invitae), Labcorp
Classification: Uncertain significance. Last evaluated: 2022-09-23. Review status: criteria provided, single submitter. Criteria: Invitae Variant Classification Sherloc (09022015). Collection method: clinical testing. Allele origin: germline.
Comment: This sequence change replaces alanine, which is neutral and non-polar, with threonine, which is neutral and polar, at codon 74 of the COL7A1 protein (p.Ala74Thr). This variant is present in population databases (rs753989945, gnomAD 0.01%). This variant has not been reported in the literature in individuals affected with COL7A1-related conditions. Advanced modeling of protein sequence and biophysical properties (such as structural, functional, and spatial information, amino acid conservation, physicochemical variation, residue mobility, and thermodynamic stability) performed at Invitae indicates that this missense variant is not expected to disrupt COL7A1 protein function. In summary, the available evidence is currently insufficient to determine the role of this variant in disease. Therefore, it has been classified as a Variant of Uncertain Significance.

NM_000094.4(COL7A1):c.220G>A (p.Ala74Thr)

Gene: COL7A1 (collagen type VII alpha 1 chain; minus strand). Cytogenetic location: 3p21.31.
Variant type: single nucleotide variant.
Coding change: c.220G>A on transcript NM_000094.4 (MANE Select); coding-DNA position 220, G replaced by A.
Protein change: p.Ala74Thr; replaces alanine 74 with threonine.
Molecular consequence: missense variant.
Genome position (GRCh38, 1-based): chr3:48,594,414, C>T on the plus strand (G>A on the coding strand, the complement: COL7A1 is on the minus strand). VCF-style: chr3-48594414-C-T. GRCh37 (hg19) VCF-style: chr3-48631847-C-T.
Other names: short protein forms A74T.
Identifiers: ClinVar variation 2183033 (VCV002183033.2), dbSNP rs753989945, ClinGen allele CA2381619.
Genomic context (GRCh38, chr3:48,594,414, plus strand): 5'-GGGCCCCTACTCACCGTGGGTCATCGCTGTACTGCACTGTGGCAAAGCGCACACCCTGTG[C>T]ACTGGCTGCTCCAGAGAAAGGCAGCACCAGCCCTTCGAGAAAGCTGCGGACCTCGCGGAA-3'
Protein context (NP_000085.1, residues 64-84): LVLPFSGAAS[Ala74Thr]QGVRFATVQY